The following is an entry in ClinVar:

NM_152743.4(BRAT1):c.2298C>G (p.Asp766Glu)

Gene: BRAT1 (BRCA1 associated ATM activator 1; minus strand). Cytogenetic location: 7p22.3.
Variant type: single nucleotide variant.
Coding change: c.2298C>G on transcript NM_152743.4 (MANE Select); coding-DNA position 2298, C replaced by G.
Protein change: p.Asp766Glu; replaces aspartic acid 766 with glutamic acid.
Molecular consequence: missense variant. On other transcripts: non-coding transcript variant (1).
Genome position (GRCh38, 1-based): chr7:2,538,237, G>C on the plus strand (C>G on the coding strand, the complement: BRAT1 is on the minus strand). VCF-style: chr7-2538237-G-C. GRCh37 (hg19) VCF-style: chr7-2577871-G-C.
Other names: c.2478C>G, p.Asp826Glu (NM_001350626.2); c.1773C>G, p.Asp591Glu (NM_001350627.2); c.2298C>G (NM_152743.3); short protein forms D591E, D766E, D826E.
Identifiers: ClinVar variation 1435635 (VCV001435635.6), dbSNP rs144085416, ClinGen allele CA4127398.

ClinVar aggregate classification (germline): Uncertain significance. Review status: criteria provided, multiple submitters, no conflicts (2 of 4 stars). 2 submissions from 2 submitters: Uncertain significance (2). Last evaluated 2024-01-04.

Conditions:
Inborn genetic diseases. Identifiers: MedGen C0950123, MeSH D030342.
Neonatal-onset encephalopathy with rigidity and seizures. Also called: Lethal neonatal spasticity-epileptic encephalopathy syndrome. Identifiers: Orphanet 435845, MedGen C3281029, MONDO:0013784, OMIM 614498.

Allele frequency attached by ClinVar (database versions not stated): 1000 Genomes Project 30x 0.00016; 1000 Genomes Project 0.00020.
gnomAD v4.1: 6 of 1,609,660 alleles (0.00037%); highest among the groups gnomAD compares: East Asian, 0.013%; no homozygotes.

Submissions (2):

Ambry Genetics
Classification: Uncertain significance for Inborn genetic diseases. Last evaluated: 2024-01-04. Review status: criteria provided, single submitter. Criteria: Ambry Variant Classification Scheme 2023. Collection method: clinical testing. Allele origin: germline.

Labcorp Genetics (formerly Invitae), Labcorp
Classification: Uncertain significance for Neonatal-onset encephalopathy with rigidity and seizures. Last evaluated: 2022-03-19. Review status: criteria provided, single submitter. Criteria: Invitae Variant Classification Sherloc (09022015). Collection method: clinical testing. Allele origin: germline.
Comment: This sequence change replaces aspartic acid, which is acidic and polar, with glutamic acid, which is acidic and polar, at codon 766 of the BRAT1 protein (p.Asp766Glu). This variant is present in population databases (rs144085416, gnomAD 0.02%). This variant has not been reported in the literature in individuals affected with BRAT1-related conditions. Algorithms developed to predict the effect of missense changes on protein structure and function output the following: SIFT: "Tolerated"; PolyPhen-2: "Benign"; Align-GVGD: "Class C0". The glutamic acid amino acid residue is found in multiple mammalian species, which suggests that this missense change does not adversely affect protein function. In summary, the available evidence is currently insufficient to determine the role of this variant in disease. Therefore, it has been classified as a Variant of Uncertain Significance.